The following is an entry in ClinVar:

NM_000492.4(CFTR):c.1097del (p.Gly366fs)

Gene: CFTR (CF transmembrane conductance regulator; plus strand). Cytogenetic location: 7q31.2.
Variant type: Deletion.
Coding change: c.1097del on transcript NM_000492.4 (MANE Select); coding-DNA position 1097, one base deleted (G; older notation c.1097delG).
Protein change: p.Gly366fs; shifts the reading frame from glycine 366.
Molecular consequence: frameshift variant.
Genome position (GRCh38, 1-based): chr7:117,540,327, G deleted; the last of 2 consecutive G bases (chr7:117,540,326-117,540,327); deleting either gives the same sequence. VCF-style (leftmost placement, unchanged base first): chr7-117540325-TG-T. GRCh37 (hg19) VCF-style: chr7-117180379-TG-T.
Other names: short protein forms G366fs.
Identifiers: ClinVar variation 3231817 (VCV003231817.1), dbSNP rs2485027257, ClinGen allele CA2825001516.
Genomic context (GRCh38, chr7:117,540,325, plus strand): 5'-TCTGCGCATGGCGGTCACTCGGCAATTTCCCTGGGCTGTACAAACATGGTATGACTCTCT[TG>T]GAGCAATAAACAAAATACAGGTAATGTACCATAATGCTGCATTATATACTATGATTTAAA-3'

ClinVar aggregate classification (germline): Pathogenic (1 of 4 stars; one submission).

Conditions:
Cystic fibrosis (CF). Also called: MUCOVISCIDOSIS. Identifiers: Orphanet 586, MedGen C0010674, MONDO:0009061, OMIM 219700. Disease mechanism: loss of function.

Submission:

Ambry Genetics
Classification: Pathogenic for Cystic fibrosis. Last evaluated: 2023-11-02. Review status: criteria provided, single submitter. Criteria: Ambry Variant Classification Scheme 2023. Collection method: clinical testing. Allele origin: germline.
Comment: The c.1097delG pathogenic mutation, located in coding exon 8 of the CFTR gene, results from a deletion of one nucleotide at nucleotide position 1097, causing a translational frameshift with a predicted alternate stop codon (p.G366Efs*3). This variant is considered to be rare based on population cohorts in the Genome Aggregation Database (gnomAD). This alteration is expected to result in loss of function by premature protein truncation or nonsense-mediated mRNA decay. As such, this alteration is interpreted as a disease-causing mutation.